The following is an entry in ClinVar:

NM_021098.3(CACNA1H):c.4562A>G (p.Gln1521Arg)

Gene: CACNA1H (calcium voltage-gated channel subunit alpha1 H; plus strand). Cytogenetic location: 16p13.3.
Variant type: single nucleotide variant.
Coding change: c.4562A>G on transcript NM_021098.3 (MANE Select); coding-DNA position 4562, A replaced by G.
Protein change: p.Gln1521Arg; replaces glutamine 1521 with arginine.
Molecular consequence: missense variant.
Genome position (GRCh38, 1-based): chr16:1,211,801, A>G. VCF-style: chr16-1211801-A-G. GRCh37 (hg19) VCF-style: chr16-1261801-A-G.
Other names: c.4562A>G, p.Gln1521Arg (NM_001005407.2); short protein forms Q1521R.
Identifiers: ClinVar variation 4790012 (VCV004790012.1).
Genomic context (GRCh38, chr16:1,211,801, plus strand): 5'-CATCCAAGGATGGATGGGTGAACATCATGTACGACGGGCTGGATGCCGTGGGTGTCGACC[A>G]GCAGGTGCGCACAGGCGGGTCGAGCTGGGTCACCTCAGGGTCTCCCGCGAGCGGCTGCCT-3'
Protein context (NP_066921.2, residues 1511-1531): YDGLDAVGVD[Gln1521Arg]QPVQNHNPWM

ClinVar aggregate classification (germline): Uncertain significance (1 of 4 stars; one submission).

Conditions:
Hyperaldosteronism, familial, type IV (HALD4). Also called: FH IV; ALDOSTERONISM, PRIMARY, AND HYPERTENSION. Identifiers: Orphanet 642671, MedGen C4310756, MONDO:0014875, OMIM 617027.
Idiopathic generalized epilepsy. Also called: Generalised epilepsy; EIG. Identifiers: MedGen C0270850, MONDO:0005579, OMIM 600669.

Submission:

Labcorp Genetics (formerly Invitae), Labcorp
Classification: Uncertain significance for Idiopathic generalized epilepsy; Hyperaldosteronism, familial, type IV. Last evaluated: 2025-10-23. Review status: criteria provided, single submitter. Criteria: Invitae Variant Classification Sherloc (09022015). Collection method: clinical testing. Allele origin: germline.
Comment: This sequence change replaces glutamine, which is neutral and polar, with arginine, which is basic and polar, at codon 1521 of the CACNA1H protein (p.Gln1521Arg). This variant is not present in population databases (gnomAD no frequency). This variant has not been reported in the literature in individuals affected with CACNA1H-related conditions. Invitae Evidence Modeling of protein sequence and biophysical properties (such as structural, functional, and spatial information, amino acid conservation, physicochemical variation, residue mobility, and thermodynamic stability) has been performed for this missense variant. However, the output from this modeling did not meet the statistical confidence thresholds required to predict the impact of this variant on CACNA1H protein function. In summary, the available evidence is currently insufficient to determine the role of this variant in disease. Therefore, it has been classified as a Variant of Uncertain Significance.